The following is an entry in ClinVar:

NM_005886.3(KATNB1):c.1635C>T (p.Asn545=)

Gene: KATNB1 (katanin regulatory subunit B1; plus strand). Cytogenetic location: 16q21.
Variant type: single nucleotide variant.
Coding change: c.1635C>T on transcript NM_005886.3 (MANE Select); coding-DNA position 1635, C replaced by T.
Protein change: p.Asn545=; no amino-acid change (asparagine 545 retained).
Molecular consequence: synonymous variant.
Genome position (GRCh38, 1-based): chr16:57,755,909, C>T. VCF-style: chr16-57755909-C-T. GRCh37 (hg19) VCF-style: chr16-57789821-C-T.
Identifiers: ClinVar variation 732492 (VCV000732492.43), dbSNP rs141797415, ClinGen allele CA8081313.

ClinVar aggregate classification (germline): Likely benign. Review status: criteria provided, multiple submitters, no conflicts (2 of 4 stars). 5 submissions from 5 submitters: Likely benign (5). Last evaluated 2026-02-01.

Allele frequency attached by ClinVar (database versions not stated): 1000 Genomes Project 0.00080; gnomAD 0.00080 and 0.00128; 1000 Genomes Project 30x 0.00094; gnomAD exomes 0.00121 and 0.00125; ESP Exome Variant Server 0.00123; ExAC 0.00128; TOPMed 0.00164.
gnomAD v4.1: 2,011 of 1,599,310 alleles (0.13%); highest among the groups gnomAD compares: South Asian, 0.25%; 8 homozygotes.

Submissions (5):

Labcorp Genetics (formerly Invitae), Labcorp
Classification: Likely benign. Last evaluated: 2026-02-01. Review status: criteria provided, single submitter. Criteria: Invitae Variant Classification Sherloc (09022015). Collection method: clinical testing. Allele origin: germline.

CeGaT Center for Human Genetics Tuebingen
Classification: Likely benign. Last evaluated: 2026-01-01. Review status: criteria provided, single submitter. Criteria: CeGaT Center For Human Genetics Tuebingen Variant Classification Criteria Version 2. Collection method: clinical testing. Allele origin: germline. Affected: yes. Observed: 5 variant alleles.
Comment: KATNB1: BP4, BP7

Blueprint Genetics
Classification: Likely benign. Last evaluated: 2024-10-30. Review status: criteria provided, single submitter. Criteria: ACMG Guidelines, 2015. Collection method: clinical testing. Allele origin: germline.

GeneDx
Classification: Likely benign. Last evaluated: 2020-12-02. Review status: criteria provided, single submitter. Criteria: GeneDx Variant Classification Process June 2021. Collection method: clinical testing. Allele origin: germline. Affected: yes.

Breakthrough Genomics
Classification: Likely benign. Review status: criteria provided, single submitter. Criteria: ACMG Guidelines, 2015. Collection method: not provided. Allele origin: germline. Inheritance: Autosomal recessive inheritance. Affected: yes.